The following is an entry in ClinVar:

ClinVar aggregate classification (germline): Pathogenic (1 of 4 stars; one submission).

Conditions:
TBCE-related disorder. Also called: TBCE-related condition; TBCE-related disorders.

Submission:

Women's Health and Genetics/Laboratory Corporation of America, LabCorp
Classification: Pathogenic for TBCE-Related Disorder. Last evaluated: 2025-07-28. Review status: criteria provided, single submitter. Criteria: LabCorp Variant Classification Summary - May 2015. Collection method: clinical testing. Allele origin: germline.
Comment: Variant summary: TBCE c.412delG (p.Ala138GlnfsX2) results in a premature termination codon, predicted to cause a truncation of the encoded protein or absence of the protein due to nonsense mediated decay, which are commonly known mechanisms for disease. The variant was absent in 251484 control chromosomes (gnomAD). To our knowledge, no occurrence of c.412delG in individuals affected with TBCE-Related Disorder and no experimental evidence demonstrating its impact on protein function have been reported. No submitters have cited clinical-significance assessments for this variant to ClinVar. Based on the evidence outlined above, the variant was classified as pathogenic.

NM_003193.5(TBCE):c.412del (p.Ala138fs)

Gene: TBCE (tubulin folding cofactor E; plus strand). Cytogenetic location: 1q42.3.
Variant type: Deletion.
Coding change: c.412del on transcript NM_003193.5 (MANE Select); coding-DNA position 412, one base deleted (G; older notation c.412delG).
Protein change: p.Ala138fs; shifts the reading frame from alanine 138.
Molecular consequence: frameshift variant.
Genome position (GRCh38, 1-based): chr1:235,419,513, G deleted. VCF-style (leftmost placement, unchanged base first): chr1-235419512-TG-T. GRCh37 (hg19) VCF-style: chr1-235582827-TG-T.
Other names: c.412delG (NM_003193.5); c.412del, p.Ala138fs (NM_001079515.3, NM_001287801.2); c.73del, p.Ala25fs (NM_001287802.2); short protein forms A25fs, A138fs.
Identifiers: ClinVar variation 4526152 (VCV004526152.1).
Genomic context (GRCh38, chr1:235,419,512, plus strand): 5'-TGAACTCTGTTTTTCATGCAGTCAGCTGAGCAAGTTGCAAGAAGTTTCTCTGAGGAACTG[TG>T]CAGTAAGTTGTGCTGGTGAAAAAGGAGGAGTTGCTGAAGCATGTCCTAGTATCCTTTTCA-3'